The following is an entry in ClinVar:

ClinVar aggregate classification (germline): Likely benign. Review status: criteria provided, multiple submitters, no conflicts (2 of 4 stars). 4 submissions from 4 submitters: Likely benign (4). Last evaluated 2026-03-01.

Conditions:
Growth delay due to insulin-like growth factor I resistance. Also called: Insulin-Like Growth Factor I Resistance; IGF-I RESISTANCE; Somatomedin end-organ insensitivity to; Somatomedin-c resistance to; IGF-1 resistance. Identifiers: Orphanet 73273, MedGen C1849157, MONDO:0010038, OMIM 270450.

Allele frequency attached by ClinVar (database versions not stated): gnomAD exomes 0.00009 and 0.00017; ExAC 0.00017; ESP Exome Variant Server 0.00023; gnomAD 0.00053 and 0.00054; TOPMed 0.00056; 1000 Genomes Project 30x 0.00109; 1000 Genomes Project 0.00140.
gnomAD v4.1: 225 of 1,613,546 alleles (0.014%); highest among the groups gnomAD compares: African/African-American, 0.2%; no homozygotes.

Submissions (4):

CeGaT Center for Human Genetics Tuebingen
Classification: Likely benign. Last evaluated: 2026-03-01. Review status: criteria provided, single submitter. Criteria: CeGaT Center For Human Genetics Tuebingen Variant Classification Criteria Version 2. Collection method: clinical testing. Allele origin: germline. Affected: yes. Observed: 2 variant alleles.
Comment: IGF1R: BP4

Labcorp Genetics (formerly Invitae), Labcorp
Classification: Likely benign. Last evaluated: 2026-01-21. Review status: criteria provided, single submitter. Criteria: Invitae Variant Classification Sherloc (09022015). Collection method: clinical testing. Allele origin: germline.

Eurofins Ntd Llc (ga)
Classification: Likely benign. Last evaluated: 2018-09-18. Review status: criteria provided, single submitter. Criteria: EGL ClinVar v180209 classification definitions. Collection method: clinical testing. Allele origin: germline. Observed: 1 variant allele, 1 heterozygote.

Illumina Laboratory Services, Illumina
Classification: Likely benign for Growth delay due to insulin-like growth factor I resistance. Last evaluated: 2017-04-28. Review status: criteria provided, single submitter. Criteria: ICSL Variant Classification Criteria 13 December 2019. Collection method: clinical testing. Allele origin: germline.
Comment: This variant was observed as part of a predisposition screen in an ostensibly healthy population. A literature search was performed for the gene, cDNA change, and amino acid change (where applicable). No publications were found based on this search. Allele frequency data from public databases allowed determination this variant is unlikely to cause disease. Therefore, this variant is classified as likely benign.

NM_000875.5(IGF1R):c.2558C>T (p.Pro853Leu)

Gene: IGF1R (insulin like growth factor 1 receptor; plus strand). Cytogenetic location: 15q26.3.
Variant type: single nucleotide variant.
Coding change: c.2558C>T on transcript NM_000875.5 (MANE Select); coding-DNA position 2558, C replaced by T.
Protein change: p.Pro853Leu; replaces proline 853 with leucine.
Molecular consequence: missense variant.
Genome position (GRCh38, 1-based): chr15:98,923,948, C>T. VCF-style: chr15-98923948-C-T. GRCh37 (hg19) VCF-style: chr15-99467177-C-T.
Other names: c.2558C>T, p.Pro853Leu (NM_001291858.2); short protein forms P853L.
Identifiers: ClinVar variation 598673 (VCV000598673.23), dbSNP rs149217017, ClinGen allele CA7752428.